The following is an entry in ClinVar:

NM_017649.5(CNNM2):c.834G>C (p.Gly278=)

Gene: CNNM2 (cyclin and CBS domain divalent metal cation transport mediator 2; plus strand). Cytogenetic location: 10q24.32.
Variant type: single nucleotide variant.
Coding change: c.834G>C on transcript NM_017649.5 (MANE Select); coding-DNA position 834, G replaced by C.
Protein change: p.Gly278=; no amino-acid change (glycine 278 retained).
Molecular consequence: synonymous variant.
Genome position (GRCh38, 1-based): chr10:102,919,314, G>C. VCF-style: chr10-102919314-G-C. GRCh37 (hg19) VCF-style: chr10-104679071-G-C.
Other names: c.834G>C, p.Gly278= (NM_199076.3, NM_199077.3); c.834G>C (NM_017649.4).
Identifiers: ClinVar variation 4879065 (VCV004879065.2).

ClinVar aggregate classification (germline): Likely benign. Review status: criteria provided, multiple submitters, no conflicts (2 of 4 stars). 2 submissions from 2 submitters: Likely benign (2). Last evaluated 2026-05-14.

Conditions:
CNNM2-related disorder. Also called: CNNM2-related condition.

Submissions (2):

Revvity Omics, Revvity
Classification: Likely benign. Last evaluated: 2026-05-14. Review status: criteria provided, single submitter. Criteria: ACMG Guidelines, 2015. Collection method: clinical testing. Allele origin: germline.

PreventionGenetics, part of Exact Sciences
Classification: Likely benign for CNNM2-related condition. Last evaluated: 2025-06-20. Review status: criteria provided, single submitter. Criteria: ACMG Guidelines, 2015. Collection method: clinical testing. Allele origin: germline.
Comment: This variant is classified as likely benign based on ACMG/AMP sequence variant interpretation guidelines (Richards et al. 2015 PMID: 25741868, with internal and published modifications).